The following is an entry in ClinVar:

NM_001330078.2(NRXN1):c.454G>A (p.Gly152Ser)

Gene: NRXN1 (neurexin 1; minus strand). Cytogenetic location: 2p16.3.
Variant type: single nucleotide variant.
Coding change: c.454G>A on transcript NM_001330078.2 (MANE Select); coding-DNA position 454, G replaced by A.
Protein change: p.Gly152Ser; replaces glycine 152 with serine.
Molecular consequence: missense variant.
Genome position (GRCh38, 1-based): chr2:51,027,820, C>T on the plus strand (G>A on the coding strand, the complement: NRXN1 is on the minus strand). VCF-style: chr2-51027820-C-T. GRCh37 (hg19) VCF-style: chr2-51254958-C-T.
Other names: c.454G>A, p.Gly152Ser (NM_001135659.3, NM_001330077.2, NM_001330079.2 and 15 more transcripts); short protein forms G152S.
Identifiers: ClinVar variation 3024985 (VCV003024985.24), dbSNP rs1197431819, ClinGen allele CA346823963.

ClinVar aggregate classification (germline): Uncertain significance. Review status: criteria provided, multiple submitters, no conflicts (2 of 4 stars). 2 submissions from 2 submitters: Uncertain significance (2). Last evaluated 2024-06-05.

Conditions:
Pitt-Hopkins-like syndrome 2 (PTHSL2). Identifiers: Orphanet 221150, Orphanet 600663, MedGen C3280479, MONDO:0013690, OMIM 614325.

gnomAD v4.1: 11 of 1,613,280 alleles (0.00068%); highest among the groups gnomAD compares: African/African-American, 0.0013%; no homozygotes.

Submissions (2):

Labcorp Genetics (formerly Invitae), Labcorp
Classification: Uncertain significance for Pitt-Hopkins-like syndrome 2. Last evaluated: 2024-06-05. Review status: criteria provided, single submitter. Criteria: Invitae Variant Classification Sherloc (09022015). Collection method: clinical testing. Allele origin: germline.
Comment: This sequence change replaces glycine, which is neutral and non-polar, with serine, which is neutral and polar, at codon 152 of the NRXN1 protein (p.Gly152Ser). This variant is present in population databases (no rsID available, gnomAD 0.0009%). This variant has not been reported in the literature in individuals affected with NRXN1-related conditions. Algorithms developed to predict the effect of missense changes on protein structure and function output the following: SIFT: "Not Available"; PolyPhen-2: "Benign"; Align-GVGD: "Not Available". The serine amino acid residue is found in multiple mammalian species, which suggests that this missense change does not adversely affect protein function. In summary, the available evidence is currently insufficient to determine the role of this variant in disease. Therefore, it has been classified as a Variant of Uncertain Significance.

CeGaT Center for Human Genetics Tuebingen
Classification: Uncertain significance. Last evaluated: 2024-02-01. Review status: criteria provided, single submitter. Criteria: CeGaT Center For Human Genetics Tuebingen Variant Classification Criteria Version 2. Collection method: clinical testing. Allele origin: germline. Affected: yes. Observed: 1 variant allele.
Comment: NRXN1: PM2